The following is an entry in ClinVar:

ClinVar aggregate classification (germline): Likely pathogenic (1 of 4 stars; one submission).

Conditions:
Hereditary cancer-predisposing syndrome. Also called: Hereditary Cancer Syndrome; Tumor predisposition; Hereditary neoplastic syndrome; Neoplastic Syndromes, Hereditary. Identifiers: Orphanet 140162, MedGen C0027672, MeSH D009386, MONDO:0015356.

Submission:

Ambry Genetics
Classification: Likely pathogenic for Hereditary cancer-predisposing syndrome. Last evaluated: 2024-05-24. Review status: criteria provided, single submitter. Criteria: Ambry Variant Classification Scheme 2023. Collection method: clinical testing. Allele origin: germline.
Comment: The c.129_134+2delTTGCAAGT variant results from a deletion of 8 nucleotides at positions c.129 to c.134+2 and involves the canonical donor site after coding exon 2 in the BRCA1 gene. The canonical donor site is well conserved in available vertebrate species. In silico splice site analysis predicts that this alteration will weaken the native splice donor site. This variant is considered to be rare based on population cohorts in the Genome Aggregation Database (gnomAD). Alterations that disrupt the canonical splice site are expected to cause aberrant splicing, resulting in an abnormal protein or a transcript that is subject to nonsense-mediated mRNA decay. Based on the majority of available evidence to date, this variant is likely to be pathogenic.

NM_007294.4(BRCA1):c.129_134+2del

Gene: BRCA1 (BRCA1 DNA repair associated; minus strand). Cytogenetic location: 17q21.31.
Variant type: Deletion.
Coding change: c.129_134+2del on transcript NM_007294.4 (MANE Select); coding-DNA position 129 through the canonical splice donor site of the intron after coding-DNA position 134, 8 bases deleted (TTGCAAGT; older notation c.129_134+2delTTGCAAGT).
Molecular consequence: splice donor variant. On other transcripts: intron variant (41).
Genome position (GRCh38, 1-based): chr17:43,115,724-43,115,731, ACTTGCAA deleted on the plus strand (TTGCAAGT on the coding strand, the reverse complement: BRCA1 is on the minus strand); deleting any 8 consecutive bases within chr17:43,115,724-43,115,732 gives the same sequence; the c. name uses the placement nearest the transcript's 3' end. VCF-style (leftmost placement, unchanged base first): chr17-43115723-TACTTGCAA-T. GRCh37 (hg19) VCF-style: chr17-41267740-TACTTGCAA-T.
Other names: c.-13_-8+2del (NM_001407838.1, NM_001408410.1, NM_001407741.1 and 47 more transcripts); c.129_134+2del (NM_001408415.1, NM_001407634.1, NM_001407677.1 and 191 more transcripts); c.-60_-55+2del (NM_001408483.1, NM_001408482.1, NM_001407954.1 and 52 more transcripts); c.-291_-286+2del (NM_001407965.1); c.-129_-124+2del (NM_001407930.1, NM_001407843.1, NM_001408456.1 and 13 more transcripts); c.-133_-128+2del (NM_001408465.1, NM_001407695.1); c.-8+5827_-8+5834del (NM_001407751.1, NM_001407726.1); c.-176_-171+2del (NM_001407900.1, NM_001408492.1, NM_001407889.1); and 10 more.
Identifiers: ClinVar variation 3261480 (VCV003261480.1).